The following is an entry in ClinVar:

NM_004984.4(KIF5A):c.3020+1G>A

Gene: KIF5A (kinesin family member 5A; plus strand). Cytogenetic location: 12q13.3.
Variant type: single nucleotide variant.
Coding change: c.3020+1G>A on transcript NM_004984.4 (MANE Select); the canonical splice donor site of the intron after coding-DNA position 3020, G replaced by A.
Molecular consequence: splice donor variant.
Genome position (GRCh38, 1-based): chr12:57,582,630, G>A. VCF-style: chr12-57582630-G-A. GRCh37 (hg19) VCF-style: chr12-57976413-G-A.
Other names: IVS27DS, G-A, +1; c.2753+1G>A (NM_001354705.2).
Identifiers: ClinVar variation 504478 (VCV000504478.11), dbSNP rs1555179091, ClinGen allele CA385517122.

ClinVar aggregate classification (germline): Pathogenic/Likely pathogenic. Review status: criteria provided, multiple submitters, no conflicts (2 of 4 stars). 3 submissions from 3 submitters: Pathogenic (1); Likely pathogenic (1). 1 of the submissions does not count toward it. Last evaluated 2023-10-14.

Conditions:
Spastic paraplegia. Identifiers: MedGen C0037772, HP:0001258.
Amyotrophic lateral sclerosis, susceptibility to, 25. Identifiers: MedGen C4693609, MONDO:0060670, OMIM 617921.
Hereditary spastic paraplegia 10 (SPG10). Also called: SPASTIC PARAPLEGIA 10 WITH OR WITHOUT PERIPHERAL NEUROPATHY; SPASTIC PARAPLEGIA 10 WITH PERIPHERAL NEUROPATHY; SPASTIC PARAPLEGIA 10, AUTOSOMAL DOMINANT. Identifiers: Orphanet 100991, MedGen C1858712, MONDO:0011408, OMIM 604187.

Allele frequency attached by ClinVar (database versions not stated): gnomAD 0.00001.
gnomAD v4.1: 1 of 1,608,674 alleles (0.000062%); highest among the groups gnomAD compares: African/African-American, 0.0013%; no homozygotes.

Submissions (3):

Kariminejad - Najmabadi Pathology & Genetics Center
Classification: Likely pathogenic for Hereditary spastic paraplegia 10. Last evaluated: 2023-10-14. Review status: criteria provided, single submitter. Criteria: ACMG Guidelines, 2015. Collection method: clinical testing. Allele origin: germline. Inheritance: Autosomal dominant inheritance. Affected: yes.
Comment: PVS1_strong,PM2,PP5

Labcorp Genetics (formerly Invitae), Labcorp
Classification: Pathogenic for Spastic paraplegia. Last evaluated: 2022-05-27. Review status: criteria provided, single submitter. Criteria: Invitae Variant Classification Sherloc (09022015). Collection method: clinical testing. Allele origin: germline.
Comment: This sequence change falls in intron 27 of the KIF5A gene. It does not directly change the encoded amino acid sequence of the KIF5A protein. RNA analysis indicates that this variant induces altered splicing and likely disrupts the C-terminus of the protein. This variant is not present in population databases (gnomAD no frequency). This variant has been observed in individuals with amyotrophic lateral sclerosis (PMID: 29342275, 29566793, 32815063). It has also been observed to segregate with disease in related individuals. ClinVar contains an entry for this variant (Variation ID: 504478). Variants that disrupt the consensus splice site are a relatively common cause of aberrant splicing (PMID: 17576681, 9536098). Studies have shown that this variant results in skipping of exon 27 and introduces a new termination codon (PMID: 29566793). However the mRNA is not expected to undergo nonsense-mediated decay. For these reasons, this variant has been classified as Pathogenic.

OMIM
Classification: risk factor for AMYOTROPHIC LATERAL SCLEROSIS, SUSCEPTIBILITY TO, 25. Last evaluated: 2018-03-29. Review status: no assertion criteria provided. Collection method: literature only. Allele origin: germline. Not counted in ClinVar's aggregate classification.

Literature cited by the submitters: PubMed 29342275 (cited by Labcorp Genetics (formerly Invitae), Labcorp); PubMed 29566793 (cited by Labcorp Genetics (formerly Invitae), Labcorp and OMIM); PubMed 32815063 (cited by Labcorp Genetics (formerly Invitae), Labcorp); PubMed 17576681 (cited by Labcorp Genetics (formerly Invitae), Labcorp); PubMed 9536098 (cited by Labcorp Genetics (formerly Invitae), Labcorp).